The following is an entry in ClinVar:

NM_016507.4(CDK12):c.4222G>A (p.Val1408Ile)

Gene: CDK12 (cyclin dependent kinase 12; plus strand). Cytogenetic location: 17q12.
Variant type: single nucleotide variant.
Coding change: c.4222G>A on transcript NM_016507.4 (MANE Select); coding-DNA position 4222, G replaced by A.
Protein change: p.Val1408Ile; replaces valine 1408 with isoleucine.
Molecular consequence: missense variant.
Genome position (GRCh38, 1-based): chr17:39,531,065, G>A. VCF-style: chr17-39531065-G-A. GRCh37 (hg19) VCF-style: chr17-37687318-G-A.
Other names: c.4195G>A, p.Val1399Ile (NM_015083.4); short protein forms V1399I, V1408I.
Identifiers: ClinVar variation 5034091 (VCV005034091.1).

ClinVar aggregate classification (germline): Uncertain significance (1 of 4 stars; one submission).

Submission:

Ambry Genetics
Classification: Uncertain significance. Last evaluated: 2026-07-13. Review status: criteria provided, single submitter. Criteria: Ambry Variant Classification Scheme 2023. Collection method: clinical testing. Allele origin: germline.
Comment: The p.V1408I variant (also known as c.4222G>A), located in coding exon 14 of the CDK12 gene, results from a G to A substitution at nucleotide position 4222. The valine at codon 1408 is replaced by isoleucine, an amino acid with highly similar properties. This amino acid position is conserved. In addition, this alteration is predicted to be tolerated by in silico analysis. Based on the available evidence, the clinical significance of this variant remains unclear.